The following is an entry in ClinVar:

NM_005051.3(QARS1):c.1615-17C>G

Gene: QARS1 (glutaminyl-tRNA synthetase 1; minus strand). Cytogenetic location: 3p21.31.
Variant type: single nucleotide variant.
Coding change: c.1615-17C>G on transcript NM_005051.3 (MANE Select); 17 bases into the intron before coding-DNA position 1615, C replaced by G.
Molecular consequence: intron variant.
Genome position (GRCh38, 1-based): chr3:49,099,270, G>C on the plus strand (C>G on the coding strand, the complement: QARS1 is on the minus strand). VCF-style: chr3-49099270-G-C. GRCh37 (hg19) VCF-style: chr3-49136703-G-C.
Other names: c.1582-17C>G (NM_001272073.2).
Identifiers: ClinVar variation 383098 (VCV000383098.49), dbSNP rs138271247, ClinGen allele CA2391688.

ClinVar aggregate classification (germline): Benign. Review status: criteria provided, multiple submitters, no conflicts (2 of 4 stars). 3 submissions from 3 submitters: Benign (3). Last evaluated 2026-02-02.

Conditions:
Diffuse cerebral and cerebellar atrophy - intractable seizures - progressive microcephaly syndrome. Also called: Microcephaly, progressive, with seizures and cerebral and cerebellar atrophy. Identifiers: Orphanet 404437, MedGen C4014239, MONDO:0014335, OMIM 615760.

Allele frequency attached by ClinVar (database versions not stated): gnomAD exomes 0.00174; ExAC 0.00213; gnomAD 0.00663; TOPMed 0.00663; ESP Exome Variant Server 0.00677; 1000 Genomes Project 0.00899; 1000 Genomes Project 30x 0.00953.
gnomAD v4.1: 1,888 of 1,614,160 alleles (0.12%); highest among the groups gnomAD compares: African/African-American, 2.2%; 21 homozygotes.

Submissions (8):

Labcorp Genetics (formerly Invitae), Labcorp
Classification: Benign for Diffuse cerebral and cerebellar atrophy - intractable seizures - progressive microcephaly syndrome. Last evaluated: 2026-02-02. Review status: criteria provided, single submitter. Criteria: Invitae Variant Classification Sherloc (09022015). Collection method: clinical testing. Allele origin: germline.

ARUP Laboratories, Molecular Genetics and Genomics, ARUP Laboratories
Classification: Benign for Diffuse cerebral and cerebellar atrophy - intractable seizures - progressive microcephaly syndrome. Last evaluated: 2024-06-28. Review status: criteria provided, single submitter. Criteria: ARUP Molecular Germline Variant Investigation Process 2024. Collection method: clinical testing. Allele origin: germline.

GeneDx
Classification: Benign. Last evaluated: 2016-02-16. Review status: criteria provided, single submitter. Criteria: GeneDx Variant Classification (06012015). Collection method: clinical testing. Allele origin: germline. Affected: yes.
Comment: This variant is considered likely benign or benign based on one or more of the following criteria: it is a conservative change, it occurs at a poorly conserved position in the protein, it is predicted to be benign by multiple in silico algorithms, and/or has population frequency not consistent with disease.

Dr. Peter K. Rogan Lab, Western University
No classification provided (evidence only). Condition: Lung cancer. Review status: no classification provided. Collection method: in vitro. Allele origin: not applicable. Functional consequence: retained intron. Not counted in ClinVar's aggregate classification.

Dr. Peter K. Rogan Lab, Western University
No classification provided (evidence only). Condition: Lung cancer. Review status: no classification provided. Collection method: in vitro. Allele origin: not applicable. Functional consequence: retained intron. Not counted in ClinVar's aggregate classification.

Dr. Peter K. Rogan Lab, Western University
No classification provided (evidence only). Condition: Familial cancer of breast. Review status: no classification provided. Collection method: in vitro. Allele origin: not applicable. Functional consequence: retained intron. Not counted in ClinVar's aggregate classification.

Dr. Peter K. Rogan Lab, Western University
No classification provided (evidence only). Condition: Sarcoma. Review status: no classification provided. Collection method: in vitro. Allele origin: not applicable. Functional consequence: retained intron. Not counted in ClinVar's aggregate classification.

Dr. Peter K. Rogan Lab, Western University
No classification provided (evidence only). Condition: Ovarian serous cystadenocarcinoma. Review status: no classification provided. Collection method: in vitro. Allele origin: not applicable. Functional consequence: retained intron. Not counted in ClinVar's aggregate classification.